The following is an entry in ClinVar:

NM_138694.4(PKHD1):c.3364G>A (p.Gly1122Ser)

Gene: PKHD1 (PKHD1 ciliary IPT domain containing fibrocystin/polyductin; minus strand). Cytogenetic location: 6p12.2.
Variant type: single nucleotide variant.
Coding change: c.3364G>A on transcript NM_138694.4 (MANE Select); coding-DNA position 3364, G replaced by A.
Protein change: p.Gly1122Ser; replaces glycine 1122 with serine.
Molecular consequence: missense variant.
Genome position (GRCh38, 1-based): chr6:52,033,030, C>T on the plus strand (G>A on the coding strand, the complement: PKHD1 is on the minus strand). VCF-style: chr6-52033030-C-T. GRCh37 (hg19) VCF-style: chr6-51897828-C-T.
Other names: c.3364G>A, p.Gly1122Ser (NM_170724.3); short protein forms G1122S.
Identifiers: ClinVar variation 978797 (VCV000978797.4), dbSNP rs1803308145, ClinGen allele CA364441168.

ClinVar aggregate classification (germline): Pathogenic/Likely pathogenic. Review status: criteria provided, multiple submitters, no conflicts (2 of 4 stars). 2 submissions from 2 submitters: Pathogenic (1); Likely pathogenic (1). Last evaluated 2025-09-26.

Conditions:
Autosomal recessive polycystic kidney disease (ARPKD). Also called: AR polycystic kidney disease. Identifiers: Orphanet 731, Orphanet 8378, MedGen C0085548, MeSH D017044, MONDO:0009889.

Allele frequency attached by ClinVar (database versions not stated): gnomAD exomes below 0.00001.
gnomAD v4.1: 3 of 1,611,506 alleles (0.00019%); highest among the groups gnomAD compares: Non-Finnish European, 0.00025%; no homozygotes.

Submissions (2):

Natera, Inc.
Classification: Likely pathogenic for Autosomal recessive polycystic kidney disease. Last evaluated: 2025-09-26. Review status: criteria provided, single submitter. Criteria: Natera Variant Classification Schema (03/2026). Collection method: clinical testing. Allele origin: germline.
Comment: The c.3364G>A variant in PKHD1 is a missense variant predicted to cause substitution of glycine to serine at amino acid 1122. This variant is rare in the general population with a frequency below the threshold expected for the associated phenotype(s). This variant has been observed in one or more individuals affected with the associated recessive disease, as either homozygous or compound heterozygous with a second variant (PMID: 11898128, 33282801, 38885798). Computational prediction algorithms indicate this variant is likely to affect gene or protein function. Given the available evidence, this variant is classified as Likely Pathogenic.

Laboratory of Molecular Genetics, Children's Memorial Health Institute
Classification: Pathogenic for Polycystic kidney disease 4. Last evaluated: 2020-09-25. Review status: criteria provided, single submitter. Criteria: ACMG Guidelines, 2015. Collection method: clinical testing. Allele origin: unknown, paternal. Inheritance: Autosomal recessive inheritance. Affected: yes. Observed: 3 compound heterozygotes. Clinical features observed: Polycystic kidney disease (HP:0000113), Hepatic fibrosis (HP:0001395), Cholangitis (HP:0030151), Renal insufficiency (HP:0000083), Portal hypertension (HP:0001409).

Literature cited by the submitters: PubMed 11898128 (cited by Natera, Inc.); PubMed 33282801 (cited by Natera, Inc.); PubMed 38885798 (cited by Natera, Inc.).